The following is an entry in ClinVar:

ClinVar aggregate classification (germline): Uncertain significance (3 of 4 stars; one submission).

Conditions:
Glanzmann thrombasthenia. Also called: PLATELET GLYCOPROTEIN IIb-IIIa DEFICIENCY; BLEEDING DISORDER, PLATELET-TYPE, 2; THROMBASTHENIA OF GLANZMANN AND NAEGELI; Thrombasthenia; Glanzmann's thrombasthenia. Identifiers: Orphanet 849, MedGen C0040015, MONDO:0100326.

Allele frequency attached by ClinVar (database versions not stated): gnomAD exomes below 0.00001; ExAC 0.00001.
gnomAD v4.1: 1 of 1,614,070 alleles (0.000062%); highest among the groups gnomAD compares: South Asian, 0.0011%; no homozygotes.

Submission:

ClinGen Platelet Disorders Variant Curation Expert Panel, ClinGen
Classification: Uncertain significance for Glanzmann thrombasthenia. Last evaluated: 2025-04-15. Review status: reviewed by expert panel. Criteria: ClinGen Platelet ACMG Specifications v2-1. Collection method: curation. Allele origin: germline. Inheritance: Autosomal recessive inheritance.
Comment: The NM_000419.5(ITGA2B):c.2489T>G (p.Leu830Arg) missense variant has been reported in at least one homozygous patient (UPN 9 in PMID: 16879215; PM3_supporting). The highest population minor allele frequency in gnomAD v4.1 is 0.00001098 (1/91048 alleles) in the South Asian genetic ancestry group, which is lower than the ClinGen PD VCEP threshold (<0.0001; PM2_Supporting). In summary, this variant meets the criteria to be classified as uncertain significance for autosomal recessive Glanzmann Thrombasthenia based on the ACMG/AMP criteria applied, as specified by the ClinGen PD VCEP: PM2_supporting, PM3_supporting.

NM_000419.5(ITGA2B):c.2489T>G (p.Leu830Arg)

Gene: ITGA2B (integrin subunit alpha 2b; minus strand). Cytogenetic location: 17q21.31.
Variant type: single nucleotide variant.
Coding change: c.2489T>G on transcript NM_000419.5 (MANE Select); coding-DNA position 2489, T replaced by G.
Protein change: p.Leu830Arg; replaces leucine 830 with arginine.
Molecular consequence: missense variant.
Genome position (GRCh38, 1-based): chr17:44,375,945, A>C on the plus strand (T>G on the coding strand, the complement: ITGA2B is on the minus strand). VCF-style: chr17-44375945-A-C. GRCh37 (hg19) VCF-style: chr17-42453313-A-C.
Other names: NM_000419.5:c.2489T>G; short protein forms L830R.
Identifiers: ClinVar variation 1879014 (VCV001879014.2), dbSNP rs777802643, ClinGen allele CA8602667.